The following is an entry in ClinVar:

ClinVar aggregate classification (germline): Uncertain significance (1 of 4 stars; one submission).

Conditions:
Hereditary cancer-predisposing syndrome. Also called: Neoplastic Syndromes, Hereditary; Tumor predisposition; Hereditary neoplastic syndrome; Hereditary Cancer Syndrome. Identifiers: Orphanet 140162, MedGen C0027672, MeSH D009386, MONDO:0015356.

Submission:

Ambry Genetics
Classification: Uncertain significance for Hereditary cancer-predisposing syndrome. Last evaluated: 2026-08-26. Review status: criteria provided, single submitter. Criteria: Ambry Variant Classification Scheme 2023. Collection method: clinical testing. Allele origin: germline.
Comment: The p.T213N variant (also known as c.638C>A), located in coding exon 4 of the MSH6 gene, results from a C to A substitution at nucleotide position 638. The threonine at codon 213 is replaced by asparagine, an amino acid with similar properties. This amino acid position is conserved. In addition, this alteration is predicted to be tolerated by in silico analysis. Based on the available evidence, the clinical significance of this variant remains unclear.

NM_000179.3(MSH6):c.638C>A (p.Thr213Asn)

Gene: MSH6 (mutS homolog 6; plus strand). Cytogenetic location: 2p16.3.
Variant type: single nucleotide variant.
Coding change: c.638C>A on transcript NM_000179.3 (MANE Select); coding-DNA position 638, C replaced by A.
Protein change: p.Thr213Asn; replaces threonine 213 with asparagine.
Molecular consequence: missense variant. On other transcripts: 5 prime UTR variant (9), non-coding transcript variant (4), intron variant (1).
Genome position (GRCh38, 1-based): chr2:47,798,621, C>A. VCF-style: chr2-47798621-C-A. GRCh37 (hg19) VCF-style: chr2-48025760-C-A.
Other names: c.341C>A, p.Thr114Asn (NM_001406824.1, NM_001406825.1, NM_001406827.1 and 10 more transcripts); c.470C>A, p.Thr157Asn (NM_001406826.1); c.-269C>A (NM_001406829.1, NM_001406823.1, NM_001406811.1 and 6 more transcripts); c.628-2045C>A (NM_001407362.1); c.638C>A, p.Thr213Asn (NM_001406817.1, NM_001406803.1, NM_001406808.1 and 4 more transcripts); c.560C>A, p.Thr187Asn (NM_001406804.1); c.113C>A, p.Thr38Asn (NM_001406806.1, NM_001406807.1, NM_001406799.1); c.644C>A, p.Thr215Asn (NM_001406813.1); and 2 more; short protein forms T114N, T187N, T215N, T245N, T213N, T38N, T83N, T157N.
Identifiers: ClinVar variation 5024934 (VCV005024934.1).
Genomic context (GRCh38, chr2:47,798,621, plus strand): 5'-GGTTTTCCAAATTTTGATTTGTTTTTAAATACTCTTTCCTTGCCTGGCAGGTAGGCACAA[C>A]TTACGTAACAGATAAGAGTGAAGAAGATAATGAAATTGAGAGTGAAGAGGAAGTACAGCC-3'
Protein context (NP_000170.1, residues 203-223): EEEEEMEVGT[Thr213Asn]YVTDKSEEDN